The following is an entry in ClinVar:

ClinVar aggregate classification (germline): Uncertain significance (1 of 4 stars; one submission).

Conditions:
POLD1-related polyposis and colorectal cancer syndrome (CRCS10). Also called: Colorectal cancer 10; COLORECTAL CANCER, SUSCEPTIBILITY TO, ON CHROMOSOME 19q; Colorectal cancer, susceptibility to, 10. Identifiers: Orphanet 220460, MedGen C2675481, MONDO:0012953, OMIM 612591.

Submission:

Labcorp Genetics (formerly Invitae), Labcorp
Classification: Uncertain significance for POLD1-related polyposis and colorectal cancer syndrome. Last evaluated: 2024-02-14. Review status: criteria provided, single submitter. Criteria: Invitae Variant Classification Sherloc (09022015). Collection method: clinical testing. Allele origin: germline.
Comment: This sequence change replaces valine, which is neutral and non-polar, with leucine, which is neutral and non-polar, at codon 768 of the POLD1 protein (p.Val768Leu). This variant is not present in population databases (gnomAD no frequency). This variant has not been reported in the literature in individuals affected with POLD1-related conditions. Advanced modeling of protein sequence and biophysical properties (such as structural, functional, and spatial information, amino acid conservation, physicochemical variation, residue mobility, and thermodynamic stability) performed at Invitae indicates that this missense variant is not expected to disrupt POLD1 protein function with a negative predictive value of 80%. In summary, the available evidence is currently insufficient to determine the role of this variant in disease. Therefore, it has been classified as a Variant of Uncertain Significance.

NM_002691.4(POLD1):c.2302G>C (p.Val768Leu)

Gene: POLD1 (DNA polymerase delta 1, catalytic subunit; plus strand). Cytogenetic location: 19q13.33.
Variant type: single nucleotide variant.
Coding change: c.2302G>C on transcript NM_002691.4 (MANE Select); coding-DNA position 2302, G replaced by C.
Protein change: p.Val768Leu; replaces valine 768 with leucine.
Molecular consequence: missense variant. On other transcripts: non-coding transcript variant (1).
Genome position (GRCh38, 1-based): chr19:50,413,793, G>C. VCF-style: chr19-50413793-G-C. GRCh37 (hg19) VCF-style: chr19-50917050-G-C.
Other names: c.2302G>C, p.Val768Leu (NM_001256849.1); c.2380G>C, p.Val794Leu (NM_001308632.1); short protein forms V768L, V794L.
Identifiers: ClinVar variation 3640671 (VCV003640671.2).
Genomic context (GRCh38, chr19:50,413,793, plus strand): 5'-CGCCCGCAGGTGGTGTATGGTGACACTGACTCCGTCATGTGCCGATTCGGCGTGTCCTCG[G>C]TGGCTGAGGCGATGGCCCTGGGGCGGGAGGCCGCGGACTGGGTGTCAGGTCACTTCCCGT-3'
Protein context (NP_002682.2, residues 758-778): SVMCRFGVSS[Val768Leu]AEAMALGREA